The following is an entry in ClinVar:

NM_022489.4(INF2):c.2630G>A (p.Arg877Gln)

Gene: INF2 (inverted formin 2; plus strand). Cytogenetic location: 14q32.33.
Variant type: single nucleotide variant.
Coding change: c.2630G>A on transcript NM_022489.4 (MANE Select); coding-DNA position 2630, G replaced by A.
Protein change: p.Arg877Gln; replaces arginine 877 with glutamine.
Molecular consequence: missense variant.
Genome position (GRCh38, 1-based): chr14:104,712,847, G>A. VCF-style: chr14-104712847-G-A. GRCh37 (hg19) VCF-style: chr14-105179184-G-A.
Other names: p.Arg877Gln; c.2630G>A, p.Arg877Gln (NM_001031714.4); short protein forms R877Q.
Identifiers: ClinVar variation 261610 (VCV000261610.94), dbSNP rs142678449, ClinGen allele CA7373027.
Genomic context (GRCh38, chr14:104,712,847, plus strand): 5'-CGCGGGGCTCTCACGGGACTGTCACGTGCCCTTGCCCCCAGGCCAGCATCTCGGCCTTCC[G>A]GGCACTGGATGAGCTGTTTGAGGCCATCGAGCAGAAGCAACGGGAGCTGGCCGACTACCT-3'
Protein context (NP_071934.3, residues 867-887): ERLQASISAF[Arg877Gln]ALDELFEAIE

ClinVar aggregate classification (germline): Benign. Review status: criteria provided, multiple submitters, no conflicts (2 of 4 stars). 13 submissions from 13 submitters: Benign (10). 3 of the submissions do not count toward it. Last evaluated 2026-09-01.

Conditions:
Charcot-Marie-Tooth disease dominant intermediate E. Also called: CHARCOT-MARIE-TOOTH NEUROPATHY WITH FOCAL SEGMENTAL GLOMERULONEPHRITIS. Identifiers: Orphanet 93114, MedGen C4302667, MONDO:0013758, OMIM 614455.
Focal segmental glomerulosclerosis 5 (FSGS5). Identifiers: Orphanet 656, MedGen C2750475, MONDO:0013191, OMIM 613237.

Allele frequency attached by ClinVar (database versions not stated): 1000 Genomes Project 0.00559; 1000 Genomes Project 30x 0.00718; ESP Exome Variant Server 0.00768; gnomAD 0.00777 and 0.00781; TOPMed 0.00788; gnomAD exomes 0.01012 and 0.01047; ExAC 0.01024.
gnomAD v4.1: 16,509 of 1,611,314 alleles (1%); highest among the groups gnomAD compares: Middle Eastern, 2.4%; 128 homozygotes.

Submissions 1 to 29 of 94:

CeGaT Center for Human Genetics Tuebingen
Classification: Benign. Last evaluated: 2026-09-01. Review status: criteria provided, single submitter. Criteria: CeGaT Center For Human Genetics Tuebingen Variant Classification Criteria Version 2. Collection method: clinical testing. Allele origin: germline. Affected: yes. Observed: 47 variant alleles.
Comment: INF2: PP3, BS1, BS2

Labcorp Genetics (formerly Invitae), Labcorp
Classification: Benign for Charcot-Marie-Tooth disease dominant intermediate E; Focal segmental glomerulosclerosis 5. Last evaluated: 2026-02-03. Review status: criteria provided, single submitter. Criteria: Invitae Variant Classification Sherloc (09022015). Collection method: clinical testing. Allele origin: germline.

ARUP Laboratories, Molecular Genetics and Genomics, ARUP Laboratories
Classification: Benign. Last evaluated: 2025-06-26. Review status: criteria provided, single submitter. Criteria: ARUP Molecular Germline Variant Investigation Process 2024. Collection method: clinical testing. Allele origin: germline.

Blueprint Genetics
Classification: Benign. Last evaluated: 2024-11-27. Review status: criteria provided, single submitter. Criteria: ACMG Guidelines, 2015. Collection method: clinical testing. Allele origin: germline.

Mayo Clinic Laboratories, Mayo Clinic
Classification: Benign. Last evaluated: 2024-09-11. Review status: criteria provided, single submitter. Criteria: ACMG Guidelines, 2015. Collection method: clinical testing. Allele origin: germline. Observed: 40 variant alleles.
Comment: BS1, BS2, BP4

Illumina Laboratory Services, Illumina
Classification: Benign for Focal segmental glomerulosclerosis 5. Last evaluated: 2018-01-13. Review status: criteria provided, single submitter. Criteria: ICSL Variant Classification Criteria 13 December 2019. Collection method: clinical testing. Allele origin: germline.
Comment: This variant was observed in the ICSL laboratory as part of a predisposition screen in an ostensibly healthy population. It had not been previously curated by ICSL or reported in the Human Gene Mutation Database (HGMD: prior to June 1st, 2018), and was therefore a candidate for classification through an automated scoring system. Utilizing variant allele frequency, disease prevalence and penetrance estimates, and inheritance mode, an automated score was calculated to assess if this variant is too frequent to cause the disease. Based on the score and internal cut-off values, a variant classified as benign is not then subjected to further curation. The score for this variant resulted in a classification of benign for this disease.

Athena Diagnostics
Classification: Benign. Last evaluated: 2017-11-01. Review status: criteria provided, single submitter. Criteria: Athena Diagnostics Criteria. Collection method: clinical testing. Allele origin: germline.

GeneDx
Classification: Benign. Last evaluated: 2016-07-22. Review status: criteria provided, single submitter. Criteria: GeneDx Variant Classification (06012015). Collection method: clinical testing. Allele origin: germline. Affected: yes.
Comment: This variant is considered likely benign or benign based on one or more of the following criteria: it is a conservative change, it occurs at a poorly conserved position in the protein, it is predicted to be benign by multiple in silico algorithms, and/or has population frequency not consistent with disease.

Breakthrough Genomics
Classification: Benign. Review status: criteria provided, single submitter. Criteria: ACMG Guidelines, 2015. Collection method: not provided. Allele origin: germline. Inheritance: Autosomal dominant inheritance. Affected: yes.

PreventionGenetics, part of Exact Sciences
Classification: Benign. Review status: criteria provided, single submitter. Criteria: ACMG Guidelines, 2015. Collection method: clinical testing. Allele origin: germline.

Genetic Services Laboratory, University of Chicago
Classification: Benign. Last evaluated: 2022-10-24. Review status: no assertion criteria provided. Collection method: clinical testing. Allele origin: germline. Affected: no. Not counted in ClinVar's aggregate classification.

Clinical Genetics, Academic Medical Center
Classification: Benign. Review status: no assertion criteria provided. Collection method: clinical testing. Allele origin: germline. Affected: yes. Study: VKGL Data-share Consensus. Not counted in ClinVar's aggregate classification.

Dr. Peter K. Rogan Lab, Western University
No classification provided (evidence only). Condition: Clear cell carcinoma of kidney. Review status: no classification provided. Collection method: in vitro. Allele origin: not applicable. Functional consequence: retained intron. Not counted in ClinVar's aggregate classification.

Dr. Peter K. Rogan Lab, Western University
No classification provided (evidence only). Condition: Clear cell carcinoma of kidney. Review status: no classification provided. Collection method: in vitro. Allele origin: not applicable. Functional consequence: retained intron. Not counted in ClinVar's aggregate classification.

Dr. Peter K. Rogan Lab, Western University
No classification provided (evidence only). Condition: Clear cell carcinoma of kidney. Review status: no classification provided. Collection method: in vitro. Allele origin: not applicable. Functional consequence: retained intron. Not counted in ClinVar's aggregate classification.

Dr. Peter K. Rogan Lab, Western University
No classification provided (evidence only). Condition: Clear cell carcinoma of kidney. Review status: no classification provided. Collection method: in vitro. Allele origin: not applicable. Functional consequence: retained intron. Not counted in ClinVar's aggregate classification.

Dr. Peter K. Rogan Lab, Western University
No classification provided (evidence only). Condition: Clear cell carcinoma of kidney. Review status: no classification provided. Collection method: in vitro. Allele origin: not applicable. Functional consequence: retained intron. Not counted in ClinVar's aggregate classification.

Dr. Peter K. Rogan Lab, Western University
No classification provided (evidence only). Condition: Lung cancer. Review status: no classification provided. Collection method: in vitro. Allele origin: not applicable. Functional consequence: retained intron. Not counted in ClinVar's aggregate classification.

Dr. Peter K. Rogan Lab, Western University
No classification provided (evidence only). Condition: Lung cancer. Review status: no classification provided. Collection method: in vitro. Allele origin: not applicable. Functional consequence: retained intron. Not counted in ClinVar's aggregate classification.

Dr. Peter K. Rogan Lab, Western University
No classification provided (evidence only). Condition: Lung cancer. Review status: no classification provided. Collection method: in vitro. Allele origin: not applicable. Functional consequence: retained intron. Not counted in ClinVar's aggregate classification.

Dr. Peter K. Rogan Lab, Western University
No classification provided (evidence only). Condition: Lung cancer. Review status: no classification provided. Collection method: in vitro. Allele origin: not applicable. Functional consequence: retained intron. Not counted in ClinVar's aggregate classification.

Dr. Peter K. Rogan Lab, Western University
No classification provided (evidence only). Condition: Lung cancer. Review status: no classification provided. Collection method: in vitro. Allele origin: not applicable. Functional consequence: retained intron. Not counted in ClinVar's aggregate classification.

Dr. Peter K. Rogan Lab, Western University
No classification provided (evidence only). Condition: Lung cancer. Review status: no classification provided. Collection method: in vitro. Allele origin: not applicable. Functional consequence: retained intron. Not counted in ClinVar's aggregate classification.

Dr. Peter K. Rogan Lab, Western University
No classification provided (evidence only). Condition: Lung cancer. Review status: no classification provided. Collection method: in vitro. Allele origin: not applicable. Functional consequence: retained intron. Not counted in ClinVar's aggregate classification.

Dr. Peter K. Rogan Lab, Western University
No classification provided (evidence only). Condition: Melanoma. Review status: no classification provided. Collection method: in vitro. Allele origin: not applicable. Functional consequence: retained intron. Not counted in ClinVar's aggregate classification.

Dr. Peter K. Rogan Lab, Western University
No classification provided (evidence only). Condition: Melanoma. Review status: no classification provided. Collection method: in vitro. Allele origin: not applicable. Functional consequence: retained intron. Not counted in ClinVar's aggregate classification.

Dr. Peter K. Rogan Lab, Western University
No classification provided (evidence only). Condition: Melanoma. Review status: no classification provided. Collection method: in vitro. Allele origin: not applicable. Functional consequence: retained intron. Not counted in ClinVar's aggregate classification.

Dr. Peter K. Rogan Lab, Western University
No classification provided (evidence only). Condition: Familial cancer of breast. Review status: no classification provided. Collection method: in vitro. Allele origin: not applicable. Functional consequence: retained intron. Not counted in ClinVar's aggregate classification.

Dr. Peter K. Rogan Lab, Western University
No classification provided (evidence only). Condition: Familial cancer of breast. Review status: no classification provided. Collection method: in vitro. Allele origin: not applicable. Functional consequence: retained intron. Not counted in ClinVar's aggregate classification.